The following is an entry in ClinVar:

NM_002582.4(PARN):c.192T>G (p.Phe64Leu)

Gene: PARN (poly(A)-specific ribonuclease; minus strand). Cytogenetic location: 16p13.12.
Variant type: single nucleotide variant.
Coding change: c.192T>G on transcript NM_002582.4 (MANE Select); coding-DNA position 192, T replaced by G.
Protein change: p.Phe64Leu; replaces phenylalanine 64 with leucine.
Molecular consequence: missense variant. On other transcripts: intron variant (1).
Genome position (GRCh38, 1-based): chr16:14,627,322, A>C on the plus strand (T>G on the coding strand, the complement: PARN is on the minus strand). VCF-style: chr16-14627322-A-C. GRCh37 (hg19) VCF-style: chr16-14721179-A-C.
Other names: c.9T>G, p.Phe3Leu (NM_001134477.3); c.159-186T>G (NM_001242992.2); c.192T>G (NM_002582.3); short protein forms F64L, F3L.
Identifiers: ClinVar variation 2929207 (VCV002929207.4), dbSNP rs1403598118, ClinGen allele CA394816516.

ClinVar aggregate classification (germline): Uncertain significance. Review status: criteria provided, multiple submitters, no conflicts (2 of 4 stars). 2 submissions from 2 submitters: Uncertain significance (2). Last evaluated 2025-08-26.

Conditions:
Dyskeratosis congenita, autosomal recessive 6 (DKCB6). Identifiers: MedGen C4225356, MONDO:0014600, OMIM 616353.
Pulmonary fibrosis and/or bone marrow failure, Telomere-related, 4. Also called: PULMONARY FIBROSIS AND/OR BONE MARROW FAILURE SYNDROME, TELOMERE-RELATED, 4. Identifiers: Orphanet 2032, MedGen C4225347, MONDO:0014612, OMIM 616371.
Inborn genetic diseases. Identifiers: MedGen C0950123, MeSH D030342.

gnomAD v4.1: 15 of 1,589,418 alleles (0.00094%); highest among the groups gnomAD compares: Non-Finnish European, 0.0013%; no homozygotes.

Submissions (2):

Ambry Genetics
Classification: Uncertain significance for Inborn genetic diseases. Last evaluated: 2025-08-26. Review status: criteria provided, single submitter. Criteria: Ambry Variant Classification Scheme 2023. Collection method: clinical testing. Allele origin: germline.

Labcorp Genetics (formerly Invitae), Labcorp
Classification: Uncertain significance for Dyskeratosis congenita, autosomal recessive 6; Pulmonary fibrosis and/or bone marrow failure, Telomere-related, 4. Last evaluated: 2024-11-04. Review status: criteria provided, single submitter. Criteria: Invitae Variant Classification Sherloc (09022015). Collection method: clinical testing. Allele origin: germline.
Comment: This sequence change replaces phenylalanine, which is neutral and non-polar, with leucine, which is neutral and non-polar, at codon 64 of the PARN protein (p.Phe64Leu). The frequency data for this variant in the population databases is considered unreliable, as metrics indicate poor data quality at this position in the gnomAD database. This variant has not been reported in the literature in individuals affected with PARN-related conditions. ClinVar contains an entry for this variant (Variation ID: 2929207). Invitae Evidence Modeling of protein sequence and biophysical properties (such as structural, functional, and spatial information, amino acid conservation, physicochemical variation, residue mobility, and thermodynamic stability) indicates that this missense variant is expected to disrupt PARN protein function with a positive predictive value of 80%. In summary, the available evidence is currently insufficient to determine the role of this variant in disease. Therefore, it has been classified as a Variant of Uncertain Significance.